The following is an entry in ClinVar:

NM_004055.5(CAPN5):c.894-3C>T

Gene: CAPN5 (calpain 5; plus strand). Cytogenetic location: 11q13.5.
Variant type: single nucleotide variant.
Coding change: c.894-3C>T on transcript NM_004055.5 (MANE Select); 3 bases into the intron before coding-DNA position 894, C replaced by T.
Molecular consequence: intron variant.
Genome position (GRCh38, 1-based): chr11:77,116,223, C>T. VCF-style: chr11-77116223-C-T. GRCh37 (hg19) VCF-style: chr11-76827269-C-T.
Identifiers: ClinVar variation 732867 (VCV000732867.20), dbSNP rs199886178, ClinGen allele CA6196602.

ClinVar aggregate classification (germline): Benign/Likely benign. Review status: criteria provided, multiple submitters, no conflicts (2 of 4 stars). 3 submissions from 3 submitters: Benign (2); Likely benign (1). Last evaluated 2026-02-01.

Allele frequency attached by ClinVar (database versions not stated): 1000 Genomes Project 30x 0.00047; 1000 Genomes Project 0.00060; TOPMed 0.00124; gnomAD 0.00125 and 0.00128; gnomAD exomes 0.00132 and 0.00184; ESP Exome Variant Server 0.00177; ExAC 0.00189.

Submissions (9):

Labcorp Genetics (formerly Invitae), Labcorp
Classification: Benign. Last evaluated: 2026-02-01. Review status: criteria provided, single submitter. Criteria: Invitae Variant Classification Sherloc (09022015). Collection method: clinical testing. Allele origin: germline.

CeGaT Center for Human Genetics Tuebingen
Classification: Benign. Last evaluated: 2025-09-01. Review status: criteria provided, single submitter. Criteria: CeGaT Center For Human Genetics Tuebingen Variant Classification Criteria Version 2. Collection method: clinical testing. Allele origin: germline. Affected: yes. Observed: 1 variant allele.
Comment: CAPN5: BP4, BS1, BS2

Blueprint Genetics
Classification: Likely benign. Last evaluated: 2024-11-15. Review status: criteria provided, single submitter. Criteria: ACMG Guidelines, 2015. Collection method: clinical testing. Allele origin: germline.

Dr. Peter K. Rogan Lab, Western University
No classification provided (evidence only). Condition: Lung cancer. Review status: no classification provided. Collection method: in vitro. Allele origin: not applicable. Functional consequence: retained intron. Not counted in ClinVar's aggregate classification.

Dr. Peter K. Rogan Lab, Western University
No classification provided (evidence only). Condition: Familial cancer of breast. Review status: no classification provided. Collection method: in vitro. Allele origin: not applicable. Functional consequence: retained intron. Not counted in ClinVar's aggregate classification.

Dr. Peter K. Rogan Lab, Western University
No classification provided (evidence only). Condition: Colorectal cancer. Review status: no classification provided. Collection method: in vitro. Allele origin: not applicable. Functional consequence: retained intron. Not counted in ClinVar's aggregate classification.

Dr. Peter K. Rogan Lab, Western University
No classification provided (evidence only). Condition: Gastric cancer. Review status: no classification provided. Collection method: in vitro. Allele origin: not applicable. Functional consequence: retained intron. Not counted in ClinVar's aggregate classification.

Dr. Peter K. Rogan Lab, Western University
No classification provided (evidence only). Condition: Gastric cancer. Review status: no classification provided. Collection method: in vitro. Allele origin: not applicable. Functional consequence: retained intron. Not counted in ClinVar's aggregate classification.

Dr. Peter K. Rogan Lab, Western University
No classification provided (evidence only). Condition: Malignant tumor of esophagus. Review status: no classification provided. Collection method: in vitro. Allele origin: not applicable. Functional consequence: retained intron. Not counted in ClinVar's aggregate classification.